The following is an entry in ClinVar:

ClinVar aggregate classification (germline): Likely pathogenic (1 of 4 stars; one submission).

Conditions:
Autosomal dominant nonsyndromic hearing loss 10. Identifiers: Orphanet 90635, MedGen C1832476, MONDO:0011031, OMIM 601316.

Submission:

Institute of Rare Diseases, West China Hospital, Sichuan University
Classification: Likely pathogenic for Autosomal dominant nonsyndromic hearing loss 10. Last evaluated: 2025-01-09. Review status: criteria provided, single submitter. Criteria: ClinGen HL ACMG Specifications v1. Collection method: research. Allele origin: germline. Affected: yes.
Comment: PVS1;PM2_Supporting

NM_004100.5(EYA4):c.1173T>A (p.Tyr391Ter)

Gene: EYA4 (EYA transcriptional coactivator and phosphatase 4; plus strand). Cytogenetic location: 6q23.2.
Variant type: single nucleotide variant.
Coding change: c.1173T>A on transcript NM_004100.5 (MANE Select); coding-DNA position 1173, T replaced by A.
Protein change: p.Tyr391Ter; replaces tyrosine 391 with a stop codon.
Molecular consequence: nonsense.
Genome position (GRCh38, 1-based): chr6:133,483,097, T>A. VCF-style: chr6-133483097-T-A. GRCh37 (hg19) VCF-style: chr6-133804235-T-A.
Other names: c.1011T>A, p.Tyr337Ter (NM_001301012.2); c.1191T>A, p.Tyr397Ter (NM_001301013.2); c.1104T>A, p.Tyr368Ter (NM_001370458.1, NM_172103.4); c.1029T>A, p.Tyr343Ter (NM_001370459.1); c.1173T>A, p.Tyr391Ter (NM_172105.4); short protein forms Y337*, Y343*, Y368*, Y391*, Y397*.
Identifiers: ClinVar variation 3601116 (VCV003601116.1).